The following is an entry in ClinVar:

NM_001042646.3(TRAK1):c.986T>C (p.Leu329Pro)

Gene: TRAK1 (trafficking kinesin protein 1; plus strand). Cytogenetic location: 3p22.1.
Variant type: single nucleotide variant.
Coding change: c.986T>C on transcript NM_001042646.3 (MANE Select); coding-DNA position 986, T replaced by C.
Protein change: p.Leu329Pro; replaces leucine 329 with proline.
Molecular consequence: missense variant. On other transcripts: non-coding transcript variant (1).
Genome position (GRCh38, 1-based): chr3:42,194,814, T>C. VCF-style: chr3-42194814-T-C. GRCh37 (hg19) VCF-style: chr3-42236306-T-C.
Other names: c.986T>C, p.Leu329Pro (NM_001265608.2, NM_001349246.2, NM_001349247.2); c.764T>C, p.Leu255Pro (NM_001265609.2, NM_001265610.1, NM_001349248.1 and 1 more transcripts); c.674T>C, p.Leu225Pro (NM_001349245.1); c.812T>C, p.Leu271Pro (NM_014965.5); short protein forms L329P, L271P, L225P, L255P.
Identifiers: ClinVar variation 590945 (VCV000590945.5), dbSNP rs770281448, ClinGen allele CA2333336.

ClinVar aggregate classification (germline): Uncertain significance. Review status: criteria provided, multiple submitters, no conflicts (2 of 4 stars). 3 submissions from 3 submitters: Uncertain significance (2). 1 of the submissions does not count toward it. Last evaluated 2023-09-29.

Conditions:
Developmental and epileptic encephalopathy, 68. Also called: EPILEPTIC ENCEPHALOPATHY, EARLY INFANTILE, 68. Identifiers: MedGen C4748688, MONDO:0032598, OMIM 618201.

Allele frequency attached by ClinVar (database versions not stated): gnomAD 0.00001; gnomAD exomes 0.00001 and 0.00003; ExAC 0.00002; TOPMed 0.00002.
gnomAD v4.1: 23 of 1,613,542 alleles (0.0014%); highest among the groups gnomAD compares: Non-Finnish European, 0.00025%; no homozygotes.

Submissions (3):

Blueprint Genetics
Classification: Uncertain significance. Last evaluated: 2023-09-29. Review status: criteria provided, single submitter. Criteria: ACMG Guidelines, 2015. Collection method: clinical testing. Allele origin: germline.

SIB Swiss Institute of Bioinformatics
Classification: Uncertain significance for Developmental and epileptic encephalopathy, 68. Last evaluated: 2019-03-12. Review status: criteria provided, single submitter. Criteria: ACMG Guidelines, 2015. Collection method: curation. Allele origin: unknown.
Comment: This variant is interpreted as a variant of uncertain significance for Epileptic encephalopathy, early infantile, 68, autosomal recessive. The following ACMG Tag(s) were applied: PM2 : Absent from controls (or at extremely low frequency if recessive) in Exome Sequencing Project, 1000 Genomes Project, or Exome Aggregation Consortium. PP3 : Multiple lines of computational evidence support a deleterious effect on the gene or gene product. PP1 : Cosegregation with disease in multiple affected family members in a gene definitively known to cause the disease. PP1 upgraded in strength to Moderate (PMID:29846532).

OMIM
Classification: Pathogenic for DEVELOPMENTAL AND EPILEPTIC ENCEPHALOPATHY 68. Last evaluated: 2020-11-18. Review status: no assertion criteria provided. Collection method: literature only. Allele origin: germline. Not counted in ClinVar's aggregate classification.

Literature cited by the submitters: PubMed 29846532 (cited by SIB Swiss Institute of Bioinformatics and OMIM).